The following is an entry in ClinVar:

ClinVar aggregate classification (germline): Likely benign (1 of 4 stars; one submission).

gnomAD v4.1: 176 of 1,608,716 alleles (0.011%); highest among the groups gnomAD compares: South Asian, 0.13%; 1 homozygote.

Submission:

CeGaT Center for Human Genetics Tuebingen
Classification: Likely benign. Last evaluated: 2026-07-01. Review status: criteria provided, single submitter. Criteria: CeGaT Center For Human Genetics Tuebingen Variant Classification Criteria Version 2. Collection method: clinical testing. Allele origin: germline. Affected: yes. Observed: 1 variant allele.
Comment: HYDIN: BP4, BP7

NM_001270974.2(HYDIN):c.6951A>G (p.Thr2317=)

Gene: HYDIN (HYDIN axonemal central pair apparatus protein; minus strand). Cytogenetic location: 16q22.2.
Variant type: single nucleotide variant.
Coding change: c.6951A>G on transcript NM_001270974.2 (MANE Select); coding-DNA position 6951, A replaced by G.
Protein change: p.Thr2317=; no amino-acid change (threonine 2317 retained).
Molecular consequence: synonymous variant.
Genome position (GRCh38, 1-based): chr16:70,938,658, T>C on the plus strand (A>G on the coding strand, the complement: HYDIN is on the minus strand). VCF-style: chr16-70938658-T-C. GRCh37 (hg19) VCF-style: chr16-70972561-T-C.
Identifiers: ClinVar variation 5038847 (VCV005038847.1).